The following is an entry in ClinVar:

ClinVar aggregate classification (germline): Likely pathogenic (1 of 4 stars; one submission).

Conditions:
Deficiency of UDPglucose-hexose-1-phosphate uridylyltransferase. Also called: Transferase Deficiency Galactosemia; GALACTOSE-1-PHOSPHATE URIDYLYLTRANSFERASE DEFICIENCY; GALT deficiency; Galactosemia, classic; GALACTOSEMIA I. Identifiers: Orphanet 352, Orphanet 79239, MedGen C0268151, MONDO:0009258, OMIM 230400.

Submission:

Labcorp Genetics (formerly Invitae), Labcorp
Classification: Likely pathogenic for Deficiency of UDPglucose-hexose-1-phosphate uridylyltransferase. Last evaluated: 2021-02-13. Review status: criteria provided, single submitter. Criteria: Invitae Variant Classification Sherloc (09022015). Collection method: clinical testing. Allele origin: germline.
Comment: This sequence change replaces serine with alanine at codon 135 of the GALT protein (p.Ser135Ala). The serine residue is highly conserved and there is a moderate physicochemical difference between serine and alanine. This variant is not present in population databases (ExAC no frequency). This variant has not been reported in the literature in individuals with GALT-related conditions. Advanced modeling of protein sequence and biophysical properties (such as structural, functional, and spatial information, amino acid conservation, physicochemical variation, residue mobility, and thermodynamic stability) performed at Invitae indicates that this missense variant is expected to disrupt GALT protein function. This variant disrupts the p.Ser135 amino acid residue in GALT. Other variant(s) that disrupt this residue have been determined to be pathogenic (PMID: 7887417, 28065439, 22944367, 22461411, 27176039, 11152465, 12208137). This suggests that this residue is clinically significant, and that variants that disrupt this residue are likely to be disease-causing. In summary, the currently available evidence indicates that the variant is pathogenic, but additional data are needed to prove that conclusively. Therefore, this variant has been classified as Likely Pathogenic.

Literature cited by the submitters: PubMed 7887417; PubMed 28065439; PubMed 22944367; PubMed 22461411; PubMed 27176039; PubMed 11152465; PubMed 12208137.

NM_000155.4(GALT):c.403T>G (p.Ser135Ala)

Gene: GALT (galactose-1-phosphate uridylyltransferase; plus strand). Cytogenetic location: 9p13.3.
Variant type: single nucleotide variant.
Coding change: c.403T>G on transcript NM_000155.4 (MANE Select); coding-DNA position 403, T replaced by G.
Protein change: p.Ser135Ala; replaces serine 135 with alanine.
Molecular consequence: missense variant.
Genome position (GRCh38, 1-based): chr9:34,647,857, T>G. VCF-style: chr9-34647857-T-G. GRCh37 (hg19) VCF-style: chr9-34647854-T-G.
Other names: c.76T>G, p.Ser26Ala (NM_001258332.2); short protein forms S26A, S135A.
Identifiers: ClinVar variation 1502471 (VCV001502471.8), dbSNP rs2132343082, ClinGen allele CA373280650.